The following is an entry in ClinVar:

NM_001148.6(ANK2):c.9735C>T (p.Pro3245=)

Gene: ANK2 (ankyrin 2; plus strand). Cytogenetic location: 4q26.
Variant type: single nucleotide variant.
Coding change: c.9735C>T on transcript NM_001148.6 (MANE Select); coding-DNA position 9735, C replaced by T.
Protein change: p.Pro3245=; no amino-acid change (proline 3245 retained).
Molecular consequence: synonymous variant. On other transcripts: intron variant (68).
Genome position (GRCh38, 1-based): chr4:113,358,353, C>T. VCF-style: chr4-113358353-C-T. GRCh37 (hg19) VCF-style: chr4-114279509-C-T.
Other names: c.9501C>T, p.Pro3167= (NM_001386142.1); c.6135C>T, p.Pro2045= (NM_001386166.1); c.9876C>T, p.Pro3292= (NM_001386174.1); c.9852C>T, p.Pro3284= (NM_001386175.1); c.4412-2470C>T (NM_001386186.2, NM_001386148.2); c.4214-2470C>T (NM_001354269.3); c.4292-2470C>T (NM_001386187.2); c.4253-2470C>T (NM_001386147.1); and 35 more.
Identifiers: ClinVar variation 457072 (VCV000457072.10), dbSNP rs572502923, ClinGen allele CA3051975.

ClinVar aggregate classification (germline): Likely benign. Review status: criteria provided, multiple submitters, no conflicts (2 of 4 stars). 3 submissions from 3 submitters: Likely benign (3). Last evaluated 2026-08-01.

Conditions:
Cardiovascular phenotype. Identifiers: MedGen CN230736.
Long QT syndrome (LQTS). Identifiers: MedGen C0023976, MeSH D008133, MONDO:0002442. Disease mechanism: loss of function. Inheritance: Various modes of inheritance.

Allele frequency attached by ClinVar (database versions not stated): gnomAD 0.00001; gnomAD exomes 0.00002; TOPMed 0.00002; ExAC 0.00005; 1000 Genomes Project 30x 0.00031; 1000 Genomes Project 0.00040.
gnomAD v4.1: 35 of 1,613,984 alleles (0.0022%); highest among the groups gnomAD compares: South Asian, 0.025%; no homozygotes.

Submissions (3):

CeGaT Center for Human Genetics Tuebingen
Classification: Likely benign. Last evaluated: 2026-08-01. Review status: criteria provided, single submitter. Criteria: CeGaT Center For Human Genetics Tuebingen Variant Classification Criteria Version 2. Collection method: clinical testing. Allele origin: germline. Affected: yes. Observed: 1 variant allele.
Comment: ANK2: BP4, BP7

Labcorp Genetics (formerly Invitae), Labcorp
Classification: Likely benign for Long QT syndrome. Last evaluated: 2023-12-05. Review status: criteria provided, single submitter. Criteria: Invitae Variant Classification Sherloc (09022015). Collection method: clinical testing. Allele origin: germline.

Ambry Genetics
Classification: Likely benign for Cardiovascular phenotype. Last evaluated: 2021-06-03. Review status: criteria provided, single submitter. Criteria: Ambry Variant Classification Scheme 2023. Collection method: clinical testing. Allele origin: germline.